The following is an entry in ClinVar:

NC_000004.11:g.(?_36283635)_(36283671_?)del

Gene: DTHD1 (death domain containing 1; plus strand). Cytogenetic location: 4p14.
Variant type: Deletion.
Identifiers: ClinVar variation 3246716 (VCV003246716.1).

ClinVar aggregate classification (germline): Uncertain significance (1 of 4 stars; one submission).

Submission:

Labcorp Genetics (formerly Invitae), Labcorp
Classification: Uncertain significance. Last evaluated: 2023-09-28. Review status: criteria provided, single submitter. Criteria: Invitae Variant Classification Sherloc (09022015). Collection method: clinical testing. Allele origin: unknown.
Comment: This variant results in a copy number gain of the genomic region encompassing exon(s) 1 of the DTHD1 gene. This region includes the initiator codon of the gene. This copy number gain extends beyond the assayed region for this gene and therefore may encompass additional genes. As the precise location of this event is unknown, it may be in tandem or it may be located elsewhere in the genome. This variant has not been reported in the literature in individuals affected with DTHD1-related conditions. In summary, the available evidence is currently insufficient to determine the role of this variant in disease. Therefore, it has been classified as a Variant of Uncertain Significance.